The following is an entry in ClinVar:

NM_020686.6(ABAT):c.*574A>G

Gene: ABAT (4-aminobutyrate aminotransferase; plus strand). Cytogenetic location: 16p13.2.
Variant type: single nucleotide variant.
Coding change: c.*574A>G on transcript NM_020686.6 (MANE Select); 574 bases downstream of the stop codon, A replaced by G.
Molecular consequence: 3 prime UTR variant.
Genome position (GRCh38, 1-based): chr16:8,782,004, A>G. VCF-style: chr16-8782004-A-G. GRCh37 (hg19) VCF-style: chr16-8875861-A-G.
Other names: c.*574A>G (NM_000663.5, NM_001127448.2, NM_001386600.1 and 14 more transcripts); c.*588A>G (NM_001386609.1, NM_001386616.1).
Identifiers: ClinVar variation 321106 (VCV000321106.6), dbSNP rs1641032, ClinGen allele CA10644439.

ClinVar aggregate classification (germline): Benign. Review status: criteria provided, multiple submitters, no conflicts (2 of 4 stars). 2 submissions from 2 submitters: Benign (2). Last evaluated 2018-01-12.

Conditions:
Gamma-aminobutyric acid transaminase deficiency (GABATD). Also called: GABA aminotransaminase deficiency; GABA transaminase deficiency; Gamma aminobutyrate transaminase deficiency; 4 alpha aminobutyrate transaminase deficiency. Identifiers: Orphanet 2066, MedGen C0342708, MONDO:0013166, OMIM 613163.

Allele frequency attached by ClinVar (database versions not stated): gnomAD exomes 0.32478; gnomAD 0.37580 and 0.37591; TOPMed 0.38463; 1000 Genomes Project 0.39317; 1000 Genomes Project 30x 0.39631.
gnomAD v4.1: 63,310 of 171,338 alleles (37%); highest among the groups gnomAD compares: African/African-American, 44%; 12,047 homozygotes.

Submissions (2):

Illumina Laboratory Services, Illumina
Classification: Benign for Gamma-aminobutyric acid transaminase deficiency. Last evaluated: 2018-01-12. Review status: criteria provided, single submitter. Criteria: ICSL Variant Classification Criteria 13 December 2019. Collection method: clinical testing. Allele origin: germline.
Comment: This variant was observed in the ICSL laboratory as part of a predisposition screen in an ostensibly healthy population. It had not been previously curated by ICSL or reported in the Human Gene Mutation Database (HGMD: prior to June 1st, 2018), and was therefore a candidate for classification through an automated scoring system. Utilizing variant allele frequency, disease prevalence and penetrance estimates, and inheritance mode, an automated score was calculated to assess if this variant is too frequent to cause the disease. Based on the score and internal cut-off values, a variant classified as benign is not then subjected to further curation. The score for this variant resulted in a classification of benign for this disease.

Breakthrough Genomics
Classification: Benign. Review status: criteria provided, single submitter. Criteria: ACMG Guidelines, 2015. Collection method: not provided. Allele origin: germline. Inheritance: Autosomal recessive inheritance. Affected: yes.